The following is an entry in ClinVar:

NM_000283.4(PDE6B):c.2098_2103del (p.Ser700_Leu701del)

Gene: PDE6B (phosphodiesterase 6B; plus strand). Cytogenetic location: 4p16.3.
Variant type: Deletion.
Coding change: c.2098_2103del on transcript NM_000283.4 (MANE Select); coding-DNA positions 2098 to 2103, 6 bases deleted (TCCCTG; older notation c.2098_2103delTCCCTG).
Protein change: p.Ser700_Leu701del.
Molecular consequence: inframe deletion.
Genome position (GRCh38, 1-based): chr4:664,190-664,195, TCCCTG deleted; deleting any 6 consecutive bases within chr4:664,186-664,195 gives the same sequence; the c. name uses the placement nearest the transcript's 3' end. VCF-style (leftmost placement, unchanged base first): chr4-664185-ACCTGTC-A. GRCh37 (hg19) VCF-style: chr4-657974-ACCTGTC-A.
Other names: c.2098_2103del, p.Ser700_Leu701del (NM_001145291.2); c.1261_1266del, p.Ser421_Leu422del (NM_001145292.2, NM_001350154.3, NM_001379246.1 and 1 more transcripts); c.943_948del, p.Ser315_Leu316del (NM_001350155.3).
Identifiers: ClinVar variation 1930639 (VCV001930639.5), dbSNP rs1253689001, ClinGen allele CA549126458.

ClinVar aggregate classification (germline): Uncertain significance (1 of 4 stars; one submission).

Submission:

Labcorp Genetics (formerly Invitae), Labcorp
Classification: Uncertain significance. Last evaluated: 2025-03-17. Review status: criteria provided, single submitter. Criteria: Invitae Variant Classification Sherloc (09022015). Collection method: clinical testing. Allele origin: germline.
Comment: This variant, c.2098_2103del, results in the deletion of 2 amino acid(s) of the PDE6B protein (p.Ser700_Leu701del), but otherwise preserves the integrity of the reading frame. This variant is present in population databases (no rsID available, gnomAD 0.0009%). This variant has been observed in individual(s) with clinical features of inherited retinal dystrophy (internal data). ClinVar contains an entry for this variant (Variation ID: 1930639). Experimental studies and prediction algorithms are not available or were not evaluated, and the functional significance of this variant is currently unknown. In summary, the available evidence is currently insufficient to determine the role of this variant in disease. Therefore, it has been classified as a Variant of Uncertain Significance.